The following is an entry in ClinVar:

ClinVar aggregate classification (germline): Benign. Review status: criteria provided, multiple submitters, no conflicts (2 of 4 stars). 4 submissions from 4 submitters: Benign (3). 1 of the submissions does not count toward it. Last evaluated 2026-02-01.

Conditions:
TET2-related disorder. Also called: TET2-related condition.

Allele frequency attached by ClinVar (database versions not stated): gnomAD exomes 0.00320; ExAC 0.00679; gnomAD 0.00974 and 0.01020; TOPMed 0.01094; 1000 Genomes Project 30x 0.01156; 1000 Genomes Project 0.01178.
gnomAD v4.1: 3,707 of 1,551,428 alleles (0.24%); highest among the groups gnomAD compares: African/African-American, 3.3%; 64 homozygotes.

Submissions (4):

Labcorp Genetics (formerly Invitae), Labcorp
Classification: Benign. Last evaluated: 2026-02-01. Review status: criteria provided, single submitter. Criteria: Invitae Variant Classification Sherloc (09022015). Collection method: clinical testing. Allele origin: germline.

ARUP Laboratories, Molecular Genetics and Genomics, ARUP Laboratories
Classification: Benign. Last evaluated: 2024-10-17. Review status: criteria provided, single submitter. Criteria: ARUP Molecular Germline Variant Investigation Process 2024. Collection method: clinical testing. Allele origin: germline.

Breakthrough Genomics
Classification: Benign. Review status: criteria provided, single submitter. Criteria: ACMG Guidelines, 2015. Collection method: not provided. Allele origin: germline. Inheritance: Autosomal recessive inheritance. Affected: yes.

PreventionGenetics, part of Exact Sciences
Classification: Likely benign for TET2-related condition. Last evaluated: 2019-12-23. Review status: no assertion criteria provided. Collection method: clinical testing. Allele origin: germline. Not counted in ClinVar's aggregate classification.
Comment: This variant is classified as likely benign based on ACMG/AMP sequence variant interpretation guidelines (Richards et al. 2015 PMID: 25741868, with internal and published modifications).

NM_001127208.3(TET2):c.3595-4G>A

Genes: TET2 (tet methylcytosine dioxygenase 2; plus strand), TET2-AS1 (TET2 antisense RNA 1; minus strand). Cytogenetic location: 4q24.
Variant type: single nucleotide variant.
Coding change: c.3595-4G>A on transcript NM_001127208.3 (MANE Select); 4 bases into the intron before coding-DNA position 3595, G replaced by A.
Molecular consequence: intron variant.
Genome position (GRCh38, 1-based): chr4:105,243,566, G>A. VCF-style: chr4-105243566-G-A. GRCh37 (hg19) VCF-style: chr4-106164723-G-A.
Identifiers: ClinVar variation 716821 (VCV000716821.12), dbSNP rs72963007, ClinGen allele CA3032109.
Genomic context (GRCh38, chr4:105,243,566, plus strand): 5'-AGTGACCCTTGTTTTGTTTTGGTTGGGGTGGGGGGTGTTTGGGATGGAATGGTGATCCAC[G>A]CAGGTGGTTCGCAGAAGCAGCAGTGAAGAGAAGCTACTGTGTTTGGTGCGGGAGCGAGCT-3'